The following is an entry in ClinVar:

ClinVar aggregate classification (germline): Uncertain significance (1 of 4 stars; one submission).

Allele frequency attached by ClinVar (database versions not stated): gnomAD exomes below 0.00001.

Submission:

Labcorp Genetics (formerly Invitae), Labcorp
Classification: Uncertain significance. Last evaluated: 2025-10-14. Review status: criteria provided, single submitter. Criteria: Invitae Variant Classification Sherloc (09022015). Collection method: clinical testing. Allele origin: germline.
Comment: This sequence change falls in intron 5 of the IRF9 gene. It does not directly change the encoded amino acid sequence of the IRF9 protein. It affects a nucleotide within the consensus splice site. This variant is not present in population databases (gnomAD no frequency). This variant has not been reported in the literature in individuals affected with IRF9-related conditions. ClinVar contains an entry for this variant (Variation ID: 1431773). Variants that disrupt the consensus splice site are a relatively common cause of aberrant splicing (PMID: 17576681, 9536098). Algorithms developed to predict the effect of sequence changes on RNA splicing suggest that this variant is not likely to affect RNA splicing. In summary, the available evidence is currently insufficient to determine the role of this variant in disease. Therefore, it has been classified as a Variant of Uncertain Significance.

Literature cited by the submitters: PubMed 17576681; PubMed 9536098.

NM_006084.5(IRF9):c.577+2_577+4dup

Gene: IRF9 (interferon regulatory factor 9; plus strand). Cytogenetic location: 14q12.
Variant type: Duplication.
Coding change: c.577+2_577+4dup on transcript NM_006084.5 (MANE Select); the canonical splice donor site of the intron after coding-DNA position 577 through 4 bases into the intron after coding-DNA position 577, 3 bases duplicated (TAC; older notation c.577+2_577+4dupTAC).
Molecular consequence: splice donor variant.
Genome position (GRCh38, 1-based): chr14:24,163,961-24,163,963, TAC duplicated. VCF-style (leftmost placement, unchanged base first): chr14-24163960-G-GTAC. GRCh37 (hg19) VCF-style: chr14-24633169-G-GTAC.
Other names: c.577+2_577+4dup (NM_001385400.1, NM_001385401.1, NM_001385402.1).
Identifiers: ClinVar variation 1431773 (VCV001431773.6), dbSNP rs2038491747, ClinGen allele CA485646791.
Genomic context (GRCh38, chr14:24,163,960, plus strand): 5'-GAGCAGTCCATTCAGACATTGGGAGCAGCAGCAGCAGCAGCAGCCCTGAGCCACAGGAAG[G>GTAC]TACCACCTGCCCTGCCTCTTGTGTCGTCCCCCATGCCACACCCTCTGGCCCAAGACTCCC-3'